The following is an entry in ClinVar:

NM_018076.5(ODAD2):c.34A>G (p.Thr12Ala)

Genes: ODAD2 (outer dynein arm docking complex subunit 2; minus strand), LOC126860891 (CDK7 strongly-dependent group 2 enhancer GRCh37_chr10:28283413-28284612; plus strand). Cytogenetic location: 10p12.1.
Variant type: single nucleotide variant.
Coding change: c.34A>G on transcript NM_018076.5 (MANE Select); coding-DNA position 34, A replaced by G.
Protein change: p.Thr12Ala; replaces threonine 12 with alanine.
Molecular consequence: missense variant.
Genome position (GRCh38, 1-based): chr10:27,995,109, T>C on the plus strand (A>G on the coding strand, the complement: ODAD2 is on the minus strand). VCF-style: chr10-27995109-T-C. GRCh37 (hg19) VCF-style: chr10-28284038-T-C.
Other names: c.34A>G, p.Thr12Ala (NM_001290020.2); short protein forms T12A.
Identifiers: ClinVar variation 1681406 (VCV001681406.5), dbSNP rs765777908, ClinGen allele CA376398420.

ClinVar aggregate classification (germline): Uncertain significance (1 of 4 stars; one submission).

Conditions:
Primary ciliary dyskinesia 23 (CILD23). Also called: CILIARY DYSKINESIA, PRIMARY, 23, WITH OR WITHOUT SITUS INVERSUS. Identifiers: Orphanet 244, MedGen C3809548, MONDO:0014193, OMIM 615451.

Allele frequency attached by ClinVar (database versions not stated): gnomAD 0.00003; TOPMed 0.00003.
gnomAD v4.1: 6 of 1,613,982 alleles (0.00037%); highest among the groups gnomAD compares: Admixed American, 0.0083%; no homozygotes.

Submission:

Labcorp Genetics (formerly Invitae), Labcorp
Classification: Uncertain significance for Primary ciliary dyskinesia 23. Last evaluated: 2021-09-02. Review status: criteria provided, single submitter. Criteria: Invitae Variant Classification Sherloc (09022015). Collection method: clinical testing. Allele origin: germline.
Comment: This sequence change replaces threonine with alanine at codon 12 of the ARMC4 protein (p.Thr12Ala). The threonine residue is moderately conserved and there is a small physicochemical difference between threonine and alanine. This variant is not present in population databases (ExAC no frequency). This variant has not been reported in the literature in individuals affected with ARMC4-related conditions. Algorithms developed to predict the effect of missense changes on protein structure and function are either unavailable or do not agree on the potential impact of this missense change (SIFT: "Deleterious"; PolyPhen-2: "Possibly Damaging"; Align-GVGD: "Class C0"). In summary, the available evidence is currently insufficient to determine the role of this variant in disease. Therefore, it has been classified as a Variant of Uncertain Significance.